The following is an entry in ClinVar:

ClinVar aggregate classification (germline): Likely pathogenic. Review status: criteria provided, single submitter (1 of 4 stars). 2 submissions from 2 submitters: Likely pathogenic (1). 1 of the submissions does not count toward it. Last evaluated 2026-05-31.

Conditions:
Diabetes mellitus, permanent neonatal 2. Also called: KCNJ11-Related Permanent Neonatal Diabetes Mellitus. Identifiers: MedGen C5394296, MONDO:0030087, OMIM 618856.
Permanent neonatal diabetes mellitus (PNDM). Identifiers: Orphanet 99885, MedGen C1833104, MONDO:0100164, MONDO:0011643. Disease mechanism: gain of function.

Submissions (2):

Laboratorio de Biologia Molecular - Genetica, Hospital de Pediatria Garrahan
Classification: Likely pathogenic for Diabetes mellitus, permanent neonatal 2. Last evaluated: 2026-05-31. Review status: criteria provided, single submitter. Criteria: ACMG Guidelines, 2015. Collection method: clinical testing. Allele origin: germline. Affected: yes. Observed: 1 variant allele.
Comment: The c.602G>T variant in the KCNJ11 gene is not present in population databases (gnomAD no frequency) (PM2_supporting). This sequence change replaces arginine, which is basic and polar , with leucine, which is neutral and non-polar, at codon 201 of the Kir6.2 protein (p.Gln991His). This variant has been reported in the literature in one individual affected with KCNJ11 permanent neonatal diabetes (PMID: 29880308). ClinVar contains an entry for this variant (Variation ID:21199). This variant is predicted to be deleterious by computational evidence, with a REVEL score of 0.99 (PP3). Pathogenic variants in residues that lie within the putative ATP binding site, such as Arg201, are associated with isolated diabetes mellitus. Variants involving Arg201 have been particularly associated with Permanent Neonatal Diabetes Mellitus (PMID: 20301620) (PM1). Other missense variants, c.602G>A (p.Arg201His ) and c.601C>T (p.Arg201Cys), have been classified as pathogenic in ClinVar with multiple submission (PM5). Based on the available evidence, the c.602G>T p.Arg201Leu is classified as Likely Pathogenic.

GeneReviews
No classification provided. Condition: Permanent neonatal diabetes mellitus. Review status: no classification provided. Collection method: literature only. Allele origin: unknown. Not counted in ClinVar's aggregate classification.

Literature cited by the submitters: PubMed 16123337 (cited by GeneReviews); PubMed 20301620 (cited by GeneReviews); NCBI Bookshelf NBK1447 (cited by GeneReviews).

NM_000525.4(KCNJ11):c.602G>T (p.Arg201Leu)

Gene: KCNJ11 (potassium inwardly rectifying channel subfamily J member 11; minus strand). Cytogenetic location: 11p15.1.
Variant type: single nucleotide variant.
Coding change: c.602G>T on transcript NM_000525.4 (MANE Select); coding-DNA position 602, G replaced by T.
Protein change: p.Arg201Leu; replaces arginine 201 with leucine.
Molecular consequence: missense variant.
Genome position (GRCh38, 1-based): chr11:17,387,490, C>A on the plus strand (G>T on the coding strand, the complement: KCNJ11 is on the minus strand). VCF-style: chr11-17387490-C-A. GRCh37 (hg19) VCF-style: chr11-17409037-C-A.
Other names: c.341G>T, p.Arg114Leu (NM_001166290.2, NM_001377296.1, NM_001377297.1); short protein forms R201L, R114L.
Identifiers: ClinVar variation 21199 (VCV000021199.4), dbSNP rs80356624, ClinGen allele CA341724.